The following is an entry in ClinVar:

NM_018406.7(MUC4):c.6708A>T (p.Gly2236=)

Gene: MUC4 (mucin 4, cell surface associated). Cytogenetic location: 3q29.
Variant type: single nucleotide variant.
Coding change: c.6708A>T on transcript NM_018406.7 (MANE Select); coding-DNA position 6708, A replaced by T.
Protein change: p.Gly2236=; no amino-acid change (glycine 2236 retained).
Molecular consequence: synonymous variant. On other transcripts: no sequence alteration (1), genic upstream transcript variant (2).
Genome position (GRCh38, 1-based): chr3:195,784,872, T>A on the plus strand (A>T on the coding strand, the complement: MUC4 is on the minus strand). VCF-style: chr3-195784872-T-A. GRCh37 (hg19) VCF-style: chr3-195511743-T-A.
Other names: NC_000003.11:g.195511743T>A; c.9891=, p.Gly3297= (NM_001322468.1); c.83-10567A>T (NM_138297.5); c.83-6417A>T (NM_004532.6).
Identifiers: ClinVar variation 2654466 (VCV002654466.25), dbSNP rs67146868, ClinGen allele CA2772839.

ClinVar aggregate classification (germline): Likely benign (1 of 4 stars; one submission).

Submissions (11):

CeGaT Center for Human Genetics Tuebingen
Classification: Likely benign. Last evaluated: 2023-08-01. Review status: criteria provided, single submitter. Criteria: CeGaT Center For Human Genetics Tuebingen Variant Classification Criteria Version 2. Collection method: clinical testing. Allele origin: germline. Affected: yes. Observed: 2 variant alleles.
Comment: MUC4: BP4, BS2

Dr. Peter K. Rogan Lab, Western University
No classification provided (evidence only). Condition: Uterine corpus endometrial carcinoma. Review status: no classification provided. Collection method: in vitro. Allele origin: not applicable. Functional consequence: retained intron. Not counted in ClinVar's aggregate classification.

Dr. Peter K. Rogan Lab, Western University
No classification provided (evidence only). Condition: Uterine corpus endometrial carcinoma. Review status: no classification provided. Collection method: in vitro. Allele origin: not applicable. Functional consequence: retained intron. Not counted in ClinVar's aggregate classification.

Dr. Peter K. Rogan Lab, Western University
No classification provided (evidence only). Condition: Uterine corpus endometrial carcinoma. Review status: no classification provided. Collection method: in vitro. Allele origin: not applicable. Functional consequence: retained intron. Not counted in ClinVar's aggregate classification.

Dr. Peter K. Rogan Lab, Western University
No classification provided (evidence only). Condition: Uterine corpus endometrial carcinoma. Review status: no classification provided. Collection method: in vitro. Allele origin: not applicable. Functional consequence: retained intron. Not counted in ClinVar's aggregate classification.

Dr. Peter K. Rogan Lab, Western University
No classification provided (evidence only). Condition: Cervical cancer. Review status: no classification provided. Collection method: in vitro. Allele origin: not applicable. Functional consequence: retained intron. Not counted in ClinVar's aggregate classification.

Dr. Peter K. Rogan Lab, Western University
No classification provided (evidence only). Condition: Cervical cancer. Review status: no classification provided. Collection method: in vitro. Allele origin: not applicable. Functional consequence: retained intron. Not counted in ClinVar's aggregate classification.

Dr. Peter K. Rogan Lab, Western University
No classification provided (evidence only). Condition: Nonpapillary renal cell carcinoma. Review status: no classification provided. Collection method: in vitro. Allele origin: not applicable. Functional consequence: retained intron. Not counted in ClinVar's aggregate classification.

Dr. Peter K. Rogan Lab, Western University
No classification provided (evidence only). Condition: Thymoma. Review status: no classification provided. Collection method: in vitro. Allele origin: not applicable. Functional consequence: retained intron. Not counted in ClinVar's aggregate classification.

Dr. Peter K. Rogan Lab, Western University
No classification provided (evidence only). Condition: Cholangiocarcinoma. Review status: no classification provided. Collection method: in vitro. Allele origin: not applicable. Functional consequence: retained intron. Not counted in ClinVar's aggregate classification.

Dr. Peter K. Rogan Lab, Western University
No classification provided (evidence only). Condition: Cholangiocarcinoma. Review status: no classification provided. Collection method: in vitro. Allele origin: not applicable. Functional consequence: retained intron. Not counted in ClinVar's aggregate classification.